The following is an entry in ClinVar:

NM_001128.6(AP1G1):c.331C>T (p.Leu111Phe)

Gene: AP1G1 (adaptor related protein complex 1 subunit gamma 1; minus strand). Cytogenetic location: 16q22.2.
Variant type: single nucleotide variant.
Coding change: c.331C>T on transcript NM_001128.6 (MANE Select); coding-DNA position 331, C replaced by T.
Protein change: p.Leu111Phe; replaces leucine 111 with phenylalanine.
Molecular consequence: missense variant.
Genome position (GRCh38, 1-based): chr16:71,773,358, G>A on the plus strand (C>T on the coding strand, the complement: AP1G1 is on the minus strand). VCF-style: chr16-71773358-G-A. GRCh37 (hg19) VCF-style: chr16-71807261-G-A.
Other names: c.331C>T, p.Leu111Phe (NM_001030007.2); short protein forms L111F.
Identifiers: ClinVar variation 3252875 (VCV003252875.1), dbSNP rs755939297.

ClinVar aggregate classification (germline): Uncertain significance (1 of 4 stars; one submission).

gnomAD v4.1: 1 of 1,516,652 alleles (0.000066%); highest among the groups gnomAD compares: Non-Finnish European, 0.000088%; no homozygotes.

Submission:

GeneDx
Classification: Uncertain significance. Last evaluated: 2023-06-16. Review status: criteria provided, single submitter. Criteria: GeneDx Variant Classification Process June 2021. Collection method: clinical testing. Allele origin: germline. Affected: yes.
Comment: Not observed at significant frequency in large population cohorts (gnomAD); In silico analysis supports that this missense variant has a deleterious effect on protein structure/function; Has not been previously published as pathogenic or benign to our knowledge; Variants in candidate genes are classified as variants of uncertain significance in accordance with ACMG guidelines (Richards et al., 2015)